The following is an entry in ClinVar:

ClinVar aggregate classification (germline): Uncertain significance. Review status: criteria provided, multiple submitters, no conflicts (2 of 4 stars). 2 submissions from 2 submitters: Uncertain significance (2). Last evaluated 2021-08-31.

Conditions:
Melnick-Fraser syndrome (BOR). Also called: Branchiootorenal syndrome; Branchiootorenal Syndrome (BORS); Branchio-oto-renal syndrome. Identifiers: Orphanet 107, MedGen C0265234, MONDO:0007029.

Submissions (2):

Labcorp Genetics (formerly Invitae), Labcorp
Classification: Uncertain significance for Melnick-Fraser syndrome. Last evaluated: 2021-08-31. Review status: criteria provided, single submitter. Criteria: Invitae Variant Classification Sherloc (09022015). Collection method: clinical testing. Allele origin: germline.

GeneDx
Classification: Uncertain significance. Last evaluated: 2021-02-23. Review status: criteria provided, single submitter. Criteria: GeneDx Variant Classification Process June 2021. Collection method: clinical testing. Allele origin: germline. Affected: yes.
Comment: Intronic deletion that alters the +5 splice site in a gene for which loss-of-function is a known mechanism of disease, and both splice predictors and evolutionary conservation support a deleterious effect, although in the absence of functional evidence the actual effect of this sequence change is unknown.; Not observed in large population cohorts (Lek et al., 2016); Has not been previously published as pathogenic or benign to our knowledge

NM_000503.6(EYA1):c.1140+4_1140+7del

Gene: EYA1 (EYA transcriptional coactivator and phosphatase 1; minus strand). Cytogenetic location: 8q13.3.
Variant type: Deletion.
Coding change: c.1140+4_1140+7del on transcript NM_000503.6 (MANE Select); bases 4 to 7 of the intron after coding-DNA position 1140, 4 bases deleted (AGTT; older notation c.1140+4_1140+7delAGTT).
Molecular consequence: intron variant.
Genome position (GRCh38, 1-based): chr8:71,244,596-71,244,599, AACT deleted on the plus strand (AGTT on the coding strand, the reverse complement: EYA1 is on the minus strand). VCF-style (leftmost placement, unchanged base first): chr8-71244595-GAACT-G. GRCh37 (hg19) VCF-style: chr8-72156830-GAACT-G.
Other names: c.1119+25141_1119+25144del (NM_001370336.1); c.1227+4_1227+7del (NM_001370333.1); c.1140+4_1140+7del (NM_001370335.1, NM_001370334.1, NM_172058.4); c.1122+25141_1122+25144del (NM_172059.5); c.774+4_774+7del (NM_001288575.2); c.1122+4_1122+7del (NM_001288574.2).
Identifiers: ClinVar variation 459252 (VCV000459252.7), dbSNP rs1554605968, ClinGen allele CA658656016.